The following is an entry in ClinVar:

NM_001382347.1(MYO5A):c.1101C>T (p.Asp367=)

Gene: MYO5A (myosin VA; minus strand). Cytogenetic location: 15q21.2.
Variant type: single nucleotide variant.
Coding change: c.1101C>T on transcript NM_001382347.1 (MANE Select); coding-DNA position 1101, C replaced by T.
Protein change: p.Asp367=; no amino-acid change (aspartic acid 367 retained).
Molecular consequence: synonymous variant.
Genome position (GRCh38, 1-based): chr15:52,397,419, G>A on the plus strand (C>T on the coding strand, the complement: MYO5A is on the minus strand). VCF-style: chr15-52397419-G-A. GRCh37 (hg19) VCF-style: chr15-52689616-G-A.
Other names: c.1101C>T, p.Asp367= (NM_000259.3, NM_001142495.2, NM_001411135.1); c.1173C>T, p.Asp391= (NM_001382348.1, NM_001382349.1).
Identifiers: ClinVar variation 2737683 (VCV002737683.5), dbSNP rs201398376, ClinGen allele CA7569043.

ClinVar aggregate classification (germline): Likely benign. Review status: criteria provided, multiple submitters, no conflicts (2 of 4 stars). 3 submissions from 3 submitters: Likely benign (3). Last evaluated 2026-08-24.

Conditions:
MYO5A-related disorder. Also called: MYO5A-related condition.

Allele frequency attached by ClinVar (database versions not stated): ESP Exome Variant Server 0.00008; ExAC 0.00009; TOPMed 0.00009; gnomAD exomes 0.00010; gnomAD 0.00013.
gnomAD v4.1: 167 of 1,613,898 alleles (0.01%); highest among the groups gnomAD compares: Admixed American, 0.0083%; no homozygotes.

Submissions (3):

PreventionGenetics, part of Exact Sciences
Classification: Likely benign for MYO5A-related condition. Last evaluated: 2026-08-24. Review status: criteria provided, single submitter. Criteria: ACMG Guidelines, 2015. Collection method: clinical testing. Allele origin: germline.
Comment: This variant is classified as likely benign based on ACMG/AMP sequence variant interpretation guidelines (Richards et al. 2015 PMID: 25741868, with internal and published modifications).

Blueprint Genetics
Classification: Likely benign. Last evaluated: 2024-05-23. Review status: criteria provided, single submitter. Criteria: ACMG Guidelines, 2015. Collection method: clinical testing. Allele origin: germline.

Labcorp Genetics (formerly Invitae), Labcorp
Classification: Likely benign. Last evaluated: 2023-11-27. Review status: criteria provided, single submitter. Criteria: Invitae Variant Classification Sherloc (09022015). Collection method: clinical testing. Allele origin: germline.